The following is an entry in ClinVar:

ClinVar aggregate classification (germline): Uncertain significance (1 of 4 stars; one submission).

Conditions:
Dilated cardiomyopathy 1D. Identifiers: Orphanet 154, Orphanet 54260, MedGen C1832243, MONDO:0011095, OMIM 601494.

Submission:

Diagnostics Services (NGS), CSIR - Centre For Cellular And Molecular Biology
Classification: Uncertain significance for Dilated cardiomyopathy 1D. Last evaluated: 2022-08-11. Review status: criteria provided, single submitter. Criteria: ACMG Guidelines, 2015. Collection method: clinical testing. Allele origin: unknown. Affected: yes. Observed: 1 variant allele, 1 heterozygote.
Comment: The c.626G>A variant is not present in databases like 1000 Genomes, Exome Variant Server (EVS), Exome Aggregation Consortium (ExAC), Genome Aggregation Database (gnomAD) and Indian Exome Database. The variant is not present in our in-house exome database. This variant has not been reported in literature or to any clinical databases like ClinVar, Human Genome Mutation Database (HGMD) and OMIM, in any affected individuals. In-silico pathogenicity prediction programs like SIFT, Polyphen-2, MutationTaster2, CADD etc. predicted this variant to be likely deleterious, however these predictions were not confirmed by any published functional studies.

NM_001276345.2(TNNT2):c.626G>A (p.Gly209Glu)

Gene: TNNT2 (troponin T2, cardiac type; minus strand). Cytogenetic location: 1q32.1.
Variant type: single nucleotide variant.
Coding change: c.626G>A on transcript NM_001276345.2 (MANE Select); coding-DNA position 626, G replaced by A.
Protein change: p.Gly209Glu; replaces glycine 209 with glutamic acid.
Molecular consequence: missense variant.
Genome position (GRCh38, 1-based): chr1:201,362,006, C>T on the plus strand (G>A on the coding strand, the complement: TNNT2 is on the minus strand). VCF-style: chr1-201362006-C-T. GRCh37 (hg19) VCF-style: chr1-201331134-C-T.
Other names: c.596G>A, p.Gly199Glu (NM_001276347.2, NM_001406724.1, NM_001001430.3); c.617G>A, p.Gly206Glu (NM_001406723.1, NM_000364.4); c.497G>A, p.Gly166Glu (NM_001276346.2); c.587G>A, p.Gly196Glu (NM_001001431.3, NM_001406726.1, NM_001406727.1); c.578G>A, p.Gly193Glu (NM_001001432.3); c.593G>A, p.Gly198Glu (NM_001406725.1); c.581G>A, p.Gly194Glu (NM_001406728.1); short protein forms G166E, G193E, G194E, G196E, G198E, G199E, G206E, G209E.
Identifiers: ClinVar variation 1802226 (VCV001802226.3), dbSNP rs1658735913, ClinGen allele CA344203947.